The following is an entry in ClinVar:

NM_014254.3(RXYLT1):c.155A>G (p.Glu52Gly)

Gene: RXYLT1 (ribitol xylosyltransferase 1; plus strand). Cytogenetic location: 12q14.2.
Variant type: single nucleotide variant.
Coding change: c.155A>G on transcript NM_014254.3 (MANE Select); coding-DNA position 155, A replaced by G.
Protein change: p.Glu52Gly; replaces glutamic acid 52 with glycine.
Molecular consequence: missense variant. On other transcripts: 5 prime UTR variant (1).
Genome position (GRCh38, 1-based): chr12:63,780,115, A>G. VCF-style: chr12-63780115-A-G. GRCh37 (hg19) VCF-style: chr12-64173895-A-G.
Other names: p.Glu52Gly; c.-959A>G (NM_001278237.2); short protein forms E52G.
Identifiers: ClinVar variation 3380114 (VCV003380114.1).

ClinVar aggregate classification (germline): Uncertain significance (1 of 4 stars; one submission).

gnomAD v4.1: 1 of 1,527,572 alleles (0.000065%); highest among the groups gnomAD compares: Non-Finnish European, 0.000087%; no homozygotes.

Submission:

Mayo Clinic Laboratories, Mayo Clinic
Classification: Uncertain significance. Last evaluated: 2023-07-28. Review status: criteria provided, single submitter. Criteria: ACMG Guidelines, 2015. Collection method: clinical testing. Allele origin: germline. Observed: 1 variant allele.
Comment: BP4, PM2_moderate